The following is an entry in ClinVar:

ClinVar aggregate classification (germline): Uncertain significance (1 of 4 stars; one submission).

Conditions:
Inborn genetic diseases. Identifiers: MedGen C0950123, MeSH D030342.

gnomAD v4.1: 1 of 1,614,114 alleles (0.000062%); highest among the groups gnomAD compares: Non-Finnish European, 0.000085%; no homozygotes.

Submission:

Ambry Genetics
Classification: Uncertain significance for Inborn genetic diseases. Last evaluated: 2026-03-13. Review status: criteria provided, single submitter. Criteria: Ambry Variant Classification Scheme 2023. Collection method: clinical testing. Allele origin: germline.
Comment: The p.Q352R variant (also known as c.1055A>G), located in coding exon 10 of the AKT1 gene, results from an A to G substitution at nucleotide position 1055. The glutamine at codon 352 is replaced by arginine, an amino acid with highly similar properties. This amino acid position is conserved. In addition, this alteration is predicted to be tolerated by in silico analysis. Based on the available evidence, the clinical significance of this variant remains unclear.

NM_001382430.1(AKT1):c.1055A>G (p.Gln352Arg)

Gene: AKT1 (AKT serine/threonine kinase 1; minus strand). Cytogenetic location: 14q32.33.
Variant type: single nucleotide variant.
Coding change: c.1055A>G on transcript NM_001382430.1 (MANE Select); coding-DNA position 1055, A replaced by G.
Protein change: p.Gln352Arg; replaces glutamine 352 with arginine.
Molecular consequence: missense variant.
Genome position (GRCh38, 1-based): chr14:104,772,995, T>C on the plus strand (A>G on the coding strand, the complement: AKT1 is on the minus strand). VCF-style: chr14-104772995-T-C. GRCh37 (hg19) VCF-style: chr14-105239332-T-C.
Other names: c.1055A>G, p.Gln352Arg (NM_001014431.2, NM_001014432.2, NM_001382431.1 and 3 more transcripts); short protein forms Q352R.
Identifiers: ClinVar variation 4827737 (VCV004827737.1).